The following is an entry in ClinVar:

NM_001292063.2(OTOG):c.8155ACC[1] (p.Thr2720del)

Gene: OTOG (otogelin; plus strand). Cytogenetic location: 11p15.1.
Variant type: Microsatellite.
Coding change: c.8155ACC[1] on transcript NM_001292063.2 (MANE Select); one copy of the 3-base unit ACC starting at c.8155; the reference has two copies in a row; one copy, 3 bases deleted.
Protein change: p.Thr2720del; deletes threonine 2720.
Molecular consequence: inframe deletion.
Genome position (GRCh38, 1-based): chr11:17,641,059-17,641,061, ACC deleted; deleting any 3 consecutive bases within chr11:17,641,055-17,641,061 gives the same sequence; the position shown is the placement nearest the transcript's 3' end. VCF-style (leftmost placement, unchanged base first): chr11-17641054-ACAC-A. GRCh37 (hg19) VCF-style: chr11-17662601-ACAC-A.
Other names: c.8191ACC[1], p.Thr2732del (NM_001277269.2); short protein forms T2720del, T2732del.
Identifiers: ClinVar variation 2641656 (VCV002641656.24), dbSNP rs749534085, ClinGen allele CA674259883.
Genomic context (GRCh38, chr11:17,641,054, plus strand): 5'-TGTGCCACACCTCCCGCTGCACCACCGTGCTCGACCCTCTCACCAACTTCTACCAGATCA[ACAC>A]CACCTCCGTGCTCTGTGACATCCACTGTGAGGCGGTAGGGTGCAGCCCAGGGCGGGGTGG-3'

ClinVar aggregate classification (germline): Uncertain significance (1 of 4 stars; one submission).

Submission:

CeGaT Center for Human Genetics Tuebingen
Classification: Uncertain significance. Last evaluated: 2023-08-01. Review status: criteria provided, single submitter. Criteria: CeGaT Center For Human Genetics Tuebingen Variant Classification Criteria Version 2. Collection method: clinical testing. Allele origin: germline. Affected: yes. Observed: 1 variant allele.
Comment: OTOG: PM2, PM4